The following is an entry in ClinVar:

NM_002506.3(NGF):c.124C>T (p.His42Tyr)

Genes: NGF (nerve growth factor; minus strand), NGF-AS1 (NGF antisense RNA 1; plus strand). Cytogenetic location: 1p13.2.
Variant type: single nucleotide variant.
Coding change: c.124C>T on transcript NM_002506.3 (MANE Select); coding-DNA position 124, C replaced by T.
Protein change: p.His42Tyr; replaces histidine 42 with tyrosine.
Molecular consequence: missense variant.
Genome position (GRCh38, 1-based): chr1:115,286,672, G>A on the plus strand (C>T on the coding strand, the complement: NGF is on the minus strand). VCF-style: chr1-115286672-G-A. GRCh37 (hg19) VCF-style: chr1-115829293-G-A.
Other names: short protein forms H42Y.
Identifiers: ClinVar variation 1350197 (VCV001350197.8), dbSNP rs1258866875, ClinGen allele CA341837182.

ClinVar aggregate classification (germline): Uncertain significance (1 of 4 stars; one submission).

Conditions:
Congenital sensory neuropathy with selective loss of small myelinated fibers (HSAN5). Also called: HSAN Type V. Identifiers: Orphanet 64752, MedGen C0020075, MONDO:0012092, OMIM 608654.

gnomAD v4.1: 1 of 1,614,248 alleles (0.000062%); highest among the groups gnomAD compares: Non-Finnish European, 0.000085%; no homozygotes.

Submission:

Labcorp Genetics (formerly Invitae), Labcorp
Classification: Uncertain significance for Congenital sensory neuropathy with selective loss of small myelinated fibers. Last evaluated: 2020-11-22. Review status: criteria provided, single submitter. Criteria: Invitae Variant Classification Sherloc (09022015). Collection method: clinical testing. Allele origin: germline.
Comment: This variant has not been reported in the literature in individuals with NGF-related conditions. In summary, the available evidence is currently insufficient to determine the role of this variant in disease. Therefore, it has been classified as a Variant of Uncertain Significance. Algorithms developed to predict the effect of missense changes on protein structure and function are either unavailable or do not agree on the potential impact of this missense change (SIFT: "Deleterious"; PolyPhen-2: "Probably Damaging"; Align-GVGD: "Class C0"). This variant is not present in population databases (ExAC no frequency). This sequence change replaces histidine with tyrosine at codon 42 of the NGF protein (p.His42Tyr). The histidine residue is highly conserved and there is a moderate physicochemical difference between histidine and tyrosine.